The following is an entry in ClinVar:

ClinVar aggregate classification (germline): Uncertain significance. Review status: criteria provided, single submitter (1 of 4 stars). 2 submissions from 2 submitters: Uncertain significance (1). 1 of the submissions does not count toward it. Last evaluated 2024-07-23.

Conditions:
Fanconi anemia (FA). Also called: Fanconi's anemia. Identifiers: Orphanet 84, MedGen C0015625, MeSH D005199, MONDO:0019391.
Fanconi anemia complementation group G. Also called: FANCG-Related Fanconi Anemia; Fanconi anemia group G. Identifiers: Orphanet 84, MedGen C3469527, MONDO:0013565, OMIM 614082.

Allele frequency attached by ClinVar (database versions not stated): gnomAD 0.00003; TOPMed 0.00004; ExAC 0.00009; gnomAD exomes 0.00010; 1000 Genomes Project 30x 0.00016; 1000 Genomes Project 0.00020.
gnomAD v4.1: 27 of 1,613,878 alleles (0.0017%); highest among the groups gnomAD compares: East Asian, 0.06%; no homozygotes.

Submissions (2):

Labcorp Genetics (formerly Invitae), Labcorp
Classification: Uncertain significance for Fanconi anemia. Last evaluated: 2024-07-23. Review status: criteria provided, single submitter. Criteria: Invitae Variant Classification Sherloc (09022015). Collection method: clinical testing. Allele origin: germline.
Comment: This sequence change replaces proline, which is neutral and non-polar, with alanine, which is neutral and non-polar, at codon 590 of the FANCG protein (p.Pro590Ala). This variant is present in population databases (rs541868979, gnomAD 0.1%). This variant has not been reported in the literature in individuals affected with FANCG-related conditions. ClinVar contains an entry for this variant (Variation ID: 639475). Advanced modeling of protein sequence and biophysical properties (such as structural, functional, and spatial information, amino acid conservation, physicochemical variation, residue mobility, and thermodynamic stability) performed at Invitae indicates that this missense variant is expected to disrupt FANCG protein function with a positive predictive value of 80%. In summary, the available evidence is currently insufficient to determine the role of this variant in disease. Therefore, it has been classified as a Variant of Uncertain Significance.

Natera, Inc.
Classification: Uncertain significance for Fanconi anemia group G. Last evaluated: 2020-03-31. Review status: no assertion criteria provided. Collection method: clinical testing. Allele origin: germline. Not counted in ClinVar's aggregate classification.

NM_004629.2(FANCG):c.1768C>G (p.Pro590Ala)

Gene: FANCG (FA complementation group G; minus strand). Cytogenetic location: 9p13.3.
Variant type: single nucleotide variant.
Coding change: c.1768C>G on transcript NM_004629.2 (MANE Select); coding-DNA position 1768, C replaced by G.
Protein change: p.Pro590Ala; replaces proline 590 with alanine.
Molecular consequence: missense variant.
Genome position (GRCh38, 1-based): chr9:35,074,209, G>C on the plus strand (C>G on the coding strand, the complement: FANCG is on the minus strand). VCF-style: chr9-35074209-G-C. GRCh37 (hg19) VCF-style: chr9-35074206-G-C.
Other names: short protein forms P590A.
Identifiers: ClinVar variation 639475 (VCV000639475.6), dbSNP rs541868979, ClinGen allele CA5039625.